The following continues an entry in ClinVar:

NM_007294.4(BRCA1):c.548-17G>T

Gene: BRCA1. ClinVar aggregate classification (germline): Benign. Benign (1).

Submissions 21 to 25 of 25:

Clinical Genetics DNA and cytogenetics Diagnostics Lab, Erasmus MC, Erasmus Medical Center
Classification: Benign. Review status: no assertion criteria provided. Collection method: clinical testing. Allele origin: germline. Affected: yes. Study: VKGL Data-share Consensus. Not counted in ClinVar's aggregate classification.

Clinical Genetics Laboratory, Department of Pathology, Netherlands Cancer Institute
Classification: Benign. Review status: no assertion criteria provided. Collection method: clinical testing. Allele origin: germline. Affected: yes. Study: VKGL Data-share Consensus. Not counted in ClinVar's aggregate classification.

Department of Pathology and Laboratory Medicine, Sinai Health System
Classification: Likely benign. Review status: no assertion criteria provided. Collection method: clinical testing. Allele origin: unknown. Affected: yes. Study: The Canadian Open Genetics Repository (COGR). Not counted in ClinVar's aggregate classification.
Comment: The BRCA1 c.548-17G>T variant was identified in ClinVar (Bengin. Classified as benign by ENIGMA, Prevention Genetics, Invitae, Counsyl, ARUP Laboratories, Integrated Genetics, GeneDx, Centre for Mendelian Genomics at University Medical Centre Ljubljana, SCRP. Classified as likely benign by Department of Medical Genetics at University Hospital North Norway, COGR. Classified as VUS by BIC). The variant was identified in dnSNP (rs80358014). The variant has been reporting as co-occuring with pathogenic variants (BRCA1, c.2722G>T and BRCA2 variants, c.8237_8238delCA (p.Thr2736SerfsX17), c.2930_2940del and c.1202C>A (p.Ser401X), SCV000699264.1). The variant was identified in control databases in 59 of 280930 chromosomes (0 homozygous) at a frequency of 0.0002100 and was observed at the highest frequency in the European (non-Finnish) population in 47 of 128348 chromosomes (freq: 0.0003662) (Genome Aggregation Database March 6, 2019, v2.1.1).The variant occurs outside of the splicing consensus sequence and in silico or computational prediction software programs (Splice AI exome) do not predict a deleterious effect on splicing. In summary, based on the above information the clinical significance of this variant cannot be determined with certainty at this time although we would lean towards a more benign role for this variant. This variant is classified as likely benign.

Genome Diagnostics Laboratory, University Medical Center Utrecht
Classification: Benign. Review status: no assertion criteria provided. Collection method: clinical testing. Allele origin: germline. Affected: yes. Study: VKGL Data-share Consensus. Not counted in ClinVar's aggregate classification.

Joint Genome Diagnostic Labs from Nijmegen and Maastricht, Radboudumc and MUMC+
Classification: Benign. Review status: no assertion criteria provided. Collection method: clinical testing. Allele origin: germline. Affected: yes. Study: VKGL Data-share Consensus. Not counted in ClinVar's aggregate classification.

Literature cited by the submitters: PubMed 21990134 (cited by Evidence-based Network for the Interpretation of Germline Mutant Alleles (ENIGMA) and Women's Health and Genetics/Laboratory Corporation of America, LabCorp); PubMed 21523855 (cited by Women's Health and Genetics/Laboratory Corporation of America, LabCorp); PubMed 19370767 (cited by Women's Health and Genetics/Laboratory Corporation of America, LabCorp); PubMed 20104584 (cited by Women's Health and Genetics/Laboratory Corporation of America, LabCorp and Counsyl); PubMed 17924331 (cited by Women's Health and Genetics/Laboratory Corporation of America, LabCorp); PubMed 22505045 (cited by Women's Health and Genetics/Laboratory Corporation of America, LabCorp and Counsyl); PubMed 18424508 (cited by Women's Health and Genetics/Laboratory Corporation of America, LabCorp and Counsyl); PubMed 27495310 (cited by Department of Medical Genetics, University Hospital of North Norway).